The following is an entry in ClinVar:

ClinVar aggregate classification (germline): Uncertain significance (1 of 4 stars; one submission).

Conditions:
Hereditary cancer-predisposing syndrome. Also called: Neoplastic Syndromes, Hereditary; Tumor predisposition; Hereditary Cancer Syndrome; Hereditary neoplastic syndrome. Identifiers: Orphanet 140162, MedGen C0027672, MeSH D009386, MONDO:0015356.

Submission:

Ambry Genetics
Classification: Uncertain significance for Hereditary cancer-predisposing syndrome. Last evaluated: 2026-04-07. Review status: criteria provided, single submitter. Criteria: Ambry Variant Classification Scheme 2023. Collection method: clinical testing. Allele origin: germline.
Comment: The p.V415L variant (also known as c.1243G>C), located in coding exon 10 of the CHEK2 gene, results from a G to C substitution at nucleotide position 1243. The valine at codon 415 is replaced by leucine, an amino acid with highly similar properties. This amino acid position is highly conserved in available vertebrate species. In addition, this alteration is predicted to be deleterious by in silico analysis. Based on the available evidence, the clinical significance of this variant remains unclear.

NM_007194.4(CHEK2):c.1243G>C (p.Val415Leu)

Gene: CHEK2 (checkpoint kinase 2; minus strand). Cytogenetic location: 22q12.1.
Variant type: single nucleotide variant.
Coding change: c.1243G>C on transcript NM_007194.4 (MANE Select); coding-DNA position 1243, G replaced by C.
Protein change: p.Val415Leu; replaces valine 415 with leucine.
Molecular consequence: missense variant.
Genome position (GRCh38, 1-based): chr22:28,695,726, C>G on the plus strand (G>C on the coding strand, the complement: CHEK2 is on the minus strand). VCF-style: chr22-28695726-C-G. GRCh37 (hg19) VCF-style: chr22-29091714-C-G.
Other names: c.1372G>C, p.Val458Leu (NM_001005735.3); c.580G>C, p.Val194Leu (NM_001257387.3, NM_001437942.1); c.1042G>C, p.Val348Leu (NM_001349956.3); c.1336G>C, p.Val446Leu (NM_001438293.1); c.1285G>C, p.Val429Leu (NM_001438294.1); c.1249G>C, p.Val417Leu (NM_001438295.1); c.1156G>C, p.Val386Leu (NM_145862.3); short protein forms V194L, V348L, V386L, V415L, V417L, V429L, V446L, V458L.
Identifiers: ClinVar variation 4868925 (VCV004868925.1).